The following is an entry in ClinVar:

NM_000038.6(APC):c.5232A>G (p.Lys1744=)

Gene: APC (APC regulator of Wnt signaling pathway; plus strand). Cytogenetic location: 5q22.2.
Variant type: single nucleotide variant.
Coding change: c.5232A>G on transcript NM_000038.6 (MANE Select); coding-DNA position 5232, A replaced by G.
Protein change: p.Lys1744=; no amino-acid change (lysine 1744 retained).
Molecular consequence: synonymous variant.
Genome position (GRCh38, 1-based): chr5:112,840,826, A>G. VCF-style: chr5-112840826-A-G. GRCh37 (hg19) VCF-style: chr5-112176523-A-G.
Other names: c.5232A>G, p.Lys1744= (NM_001127510.3, NM_001354895.2); c.5178A>G, p.Lys1726= (NM_001127511.3); c.5286A>G, p.Lys1762= (NM_001354896.2); c.5262A>G, p.Lys1754= (NM_001354897.2); c.5157A>G, p.Lys1719= (NM_001354898.2); c.5148A>G, p.Lys1716= (NM_001354899.2); c.5109A>G, p.Lys1703= (NM_001354900.2); c.5055A>G, p.Lys1685= (NM_001354901.2); and 5 more.
Identifiers: ClinVar variation 378954 (VCV000378954.56), dbSNP rs1057520431, ClinGen allele CA16604785.

ClinVar aggregate classification (germline): Benign/Likely benign. Review status: criteria provided, multiple submitters, no conflicts (2 of 4 stars). 5 submissions from 5 submitters: Benign (1); Likely benign (4). Last evaluated 2025-12-03.

Conditions:
Familial adenomatous polyposis 1 (FAP1). Also called: FAMILIAL ADENOMATOUS POLYPOSIS 1, ATTENUATED; POLYPOSIS, ADENOMATOUS INTESTINAL. Identifiers: MedGen C2713442, MONDO:0021056, OMIM 175100. Disease mechanism: loss of function.
Hereditary cancer-predisposing syndrome. Also called: Tumor predisposition; Hereditary neoplastic syndrome; Neoplastic Syndromes, Hereditary; Hereditary Cancer Syndrome. Identifiers: Orphanet 140162, MedGen C0027672, MeSH D009386, MONDO:0015356.

Allele frequency attached by ClinVar (database versions not stated): gnomAD exomes 0.00001.
gnomAD v4.1: 14 of 1,614,146 alleles (0.00087%); highest among the groups gnomAD compares: Non-Finnish European, 0.0012%; no homozygotes.

Submissions (5):

Labcorp Genetics (formerly Invitae), Labcorp
Classification: Likely benign for Familial adenomatous polyposis 1. Last evaluated: 2025-12-03. Review status: criteria provided, single submitter. Criteria: Invitae Variant Classification Sherloc (09022015). Collection method: clinical testing. Allele origin: germline.

Myriad Genetics, Inc.
Classification: Benign for Familial adenomatous polyposis 1. Last evaluated: 2024-04-01. Review status: criteria provided, single submitter. Criteria: Myriad Autosomal Dominant, Autosomal Recessive and X-Linked Classification Criteria (2023). Collection method: clinical testing. Allele origin: unknown.
Comment: This variant is considered benign. This variant is a silent/synonymous amino acid change and it is not expected to impact splicing.

GeneDx
Classification: Likely benign. Last evaluated: 2021-02-23. Review status: criteria provided, single submitter. Criteria: GeneDx Variant Classification Process June 2021. Collection method: clinical testing. Allele origin: germline. Affected: yes.

Color Diagnostics, LLC DBA Color Health
Classification: Likely benign for Hereditary cancer-predisposing syndrome. Last evaluated: 2018-11-26. Review status: criteria provided, single submitter. Criteria: ACMG Guidelines, 2015. Collection method: clinical testing. Allele origin: germline.

Ambry Genetics
Classification: Likely benign for Hereditary cancer-predisposing syndrome. Last evaluated: 2015-12-15. Review status: criteria provided, single submitter. Criteria: Ambry Variant Classification Scheme 2023. Collection method: clinical testing. Allele origin: germline.